The following is an entry in ClinVar:

ClinVar aggregate classification (germline): Uncertain significance. Review status: criteria provided, multiple submitters, no conflicts (2 of 4 stars). 2 submissions from 2 submitters: Uncertain significance (2). Last evaluated 2023-05-24.

Allele frequency attached by ClinVar (database versions not stated): gnomAD exomes below 0.00001.
gnomAD v4.1: 4 of 1,611,990 alleles (0.00025%); highest among the groups gnomAD compares: Non-Finnish European, 0.00025%; no homozygotes.

Submissions (2):

Ambry Genetics
Classification: Uncertain significance. Last evaluated: 2023-05-24. Review status: criteria provided, single submitter. Criteria: Ambry Variant Classification Scheme 2023. Collection method: clinical testing. Allele origin: germline.

Labcorp Genetics (formerly Invitae), Labcorp
Classification: Uncertain significance. Last evaluated: 2022-06-19. Review status: criteria provided, single submitter. Criteria: Invitae Variant Classification Sherloc (09022015). Collection method: clinical testing. Allele origin: germline.
Comment: This sequence change replaces glycine, which is neutral and non-polar, with arginine, which is basic and polar, at codon 752 of the ZNF341 protein (p.Gly752Arg). This variant is present in population databases (no rsID available, gnomAD 0.0009%). This variant has not been reported in the literature in individuals affected with ZNF341-related conditions. Algorithms developed to predict the effect of missense changes on protein structure and function (SIFT, PolyPhen-2, Align-GVGD) all suggest that this variant is likely to be tolerated. In summary, the available evidence is currently insufficient to determine the role of this variant in disease. Therefore, it has been classified as a Variant of Uncertain Significance.

NM_001282933.2(ZNF341):c.2275G>C (p.Gly759Arg)

Genes: ZNF341 (zinc finger protein 341; plus strand), ZNF341-AS1 (ZNF341 antisense RNA 1; minus strand). Cytogenetic location: 20q11.22.
Variant type: single nucleotide variant.
Coding change: c.2275G>C on transcript NM_001282933.2 (MANE Select); coding-DNA position 2275, G replaced by C.
Protein change: p.Gly759Arg; replaces glycine 759 with arginine.
Molecular consequence: missense variant. On other transcripts: non-coding transcript variant (1).
Genome position (GRCh38, 1-based): chr20:33,791,227, G>C. VCF-style: chr20-33791227-G-C. GRCh37 (hg19) VCF-style: chr20-32379033-G-C.
Other names: c.2254G>C (NM_032819.3); c.2005G>C, p.Gly669Arg (NM_001282935.2); c.2254G>C, p.Gly752Arg (NM_032819.5); short protein forms G759R, G669R, G752R.
Identifiers: ClinVar variation 1907521 (VCV001907521.7), dbSNP rs1290241255, ClinGen allele CA408642226.
Genomic context (GRCh38, chr20:33,791,227, plus strand): 5'-AAGGACCTGCAAACCCGGCGGCCCCCCCAGAGGAGGGCAGCCCCCCGCAGTTGCGGCAGT[G>C]GTGGGCGCAAGGTGCTGACCCCCTTGCCTGACCCGCTGGGGCTGGAGGAGCTGAAGGACA-3'
Protein context (NP_001269862.1, residues 749-769): RRAAPRSCGS[Gly759Arg]GRKVLTPLPD